The following is an entry in ClinVar:

NM_000465.4(BARD1):c.2074_2084del (p.Ile692fs)

Gene: BARD1 (BRCA1 associated RING domain 1; minus strand). Cytogenetic location: 2q35.
Variant type: Deletion.
Coding change: c.2074_2084del on transcript NM_000465.4 (MANE Select); coding-DNA positions 2074 to 2084, 11 bases deleted (ATTAAGCTCGT).
Protein change: p.Ile692fs; shifts the reading frame from isoleucine 692.
Molecular consequence: frameshift variant. On other transcripts: non-coding transcript variant (3).
Genome position (GRCh38, 1-based): chr2:214,728,926-214,728,936, ACGAGCTTAAT deleted on the plus strand (ATTAAGCTCGT on the coding strand, the reverse complement: BARD1 is on the minus strand); deleting any 11 consecutive bases within chr2:214,728,926-214,728,937 gives the same sequence; the c. name uses the placement nearest the transcript's 3' end. VCF-style (leftmost placement, unchanged base first): chr2-214728925-GACGAGCTTAAT-G. GRCh37 (hg19) VCF-style: chr2-215593649-GACGAGCTTAAT-G.
Other names: c.2017_2027del, p.Ile673fs (NM_001282543.2); c.721_731del, p.Ile241fs (NM_001282545.2); c.664_674del, p.Ile222fs (NM_001282548.2); c.535_545del, p.Ile179fs (NM_001282549.2); short protein forms I179fs, I222fs, I241fs, I673fs, I692fs.
Identifiers: ClinVar variation 3231788 (VCV003231788.1), dbSNP rs2469270655, ClinGen allele CA2825001070.

ClinVar aggregate classification (germline): Likely pathogenic (1 of 4 stars; one submission).

Conditions:
Hereditary cancer-predisposing syndrome. Also called: Neoplastic Syndromes, Hereditary; Tumor predisposition; Hereditary neoplastic syndrome; Hereditary Cancer Syndrome. Identifiers: Orphanet 140162, MedGen C0027672, MeSH D009386, MONDO:0015356.

Submission:

Ambry Genetics
Classification: Likely pathogenic for Hereditary cancer-predisposing syndrome. Last evaluated: 2024-03-14. Review status: criteria provided, single submitter. Criteria: Ambry Variant Classification Scheme 2023. Collection method: clinical testing. Allele origin: germline.
Comment: The c.2074_2084del11 variant, located in coding exon 11 of the BARD1 gene, results from a deletion of 11 nucleotides at nucleotide positions 2074 to 2084, causing a translational frameshift with a predicted alternate stop codon (p.I692Hfs*10). This alteration occurs at the 3' terminus of theBARD1 gene, is not expected to trigger nonsense-mediated mRNA decay, and only impacts the last 86 amino acids of the protein. However, premature stop codons are typically deleterious in nature and a significant portion of the protein is affected (Ambry internal data). This variant is considered to be rare based on population cohorts in the Genome Aggregation Database (gnomAD). Based on the majority of available evidence to date, this variant is likely to be pathogenic.